The following is an entry in ClinVar:

ClinVar aggregate classification (germline): Likely benign (0 of 4 stars; one submission).

Conditions:
SOBP-related disorder. Also called: SOBP-related condition.

Allele frequency attached by ClinVar (database versions not stated): TOPMed 0.00002; gnomAD 0.00003.
gnomAD v4.1: 42 of 1,397,592 alleles (0.003%); highest among the groups gnomAD compares: Non-Finnish European, 0.0037%; no homozygotes.

Submission:

PreventionGenetics, part of Exact Sciences
Classification: Likely benign for SOBP-related condition. Last evaluated: 2019-05-30. Review status: no assertion criteria provided. Collection method: clinical testing. Allele origin: germline.
Comment: This variant is classified as likely benign based on ACMG/AMP sequence variant interpretation guidelines (Richards et al. 2015 PMID: 25741868, with internal and published modifications).

NM_018013.4(SOBP):c.1947G>T (p.Pro649=)

Gene: SOBP (sine oculis binding protein homolog; plus strand). Cytogenetic location: 6q21.
Variant type: single nucleotide variant.
Coding change: c.1947G>T on transcript NM_018013.4 (MANE Select); coding-DNA position 1947, G replaced by T.
Protein change: p.Pro649=; no amino-acid change (proline 649 retained).
Molecular consequence: synonymous variant.
Genome position (GRCh38, 1-based): chr6:107,634,791, G>T. VCF-style: chr6-107634791-G-T. GRCh37 (hg19) VCF-style: chr6-107955995-G-T.
Identifiers: ClinVar variation 3044327 (VCV003044327.2), dbSNP rs774801789, ClinGen allele CA451581803.